The following is an entry in ClinVar:

ClinVar aggregate classification (germline): Uncertain significance (1 of 4 stars; one submission).

Conditions:
Atrioventricular septal defect 4 (AVSD4). Identifiers: MedGen C3280781, MONDO:0013747, OMIM 614430.

Submission:

Labcorp Genetics (formerly Invitae), Labcorp
Classification: Uncertain significance for Atrioventricular septal defect 4. Last evaluated: 2023-08-14. Review status: criteria provided, single submitter. Criteria: Invitae Variant Classification Sherloc (09022015). Collection method: clinical testing. Allele origin: germline.
Comment: This sequence change replaces serine, which is neutral and polar, with asparagine, which is neutral and polar, at codon 378 of the GATA4 protein (p.Ser378Asn). This variant is not present in population databases (gnomAD no frequency). This variant has not been reported in the literature in individuals affected with GATA4-related conditions. Advanced modeling of protein sequence and biophysical properties (such as structural, functional, and spatial information, amino acid conservation, physicochemical variation, residue mobility, and thermodynamic stability) performed at Invitae indicates that this missense variant is not expected to disrupt GATA4 protein function. In summary, the available evidence is currently insufficient to determine the role of this variant in disease. Therefore, it has been classified as a Variant of Uncertain Significance.

NM_001308093.3(GATA4):c.1136G>A (p.Ser379Asn)

Gene: GATA4 (GATA binding protein 4). Cytogenetic location: 8p23.1.
Variant type: single nucleotide variant.
Coding change: c.1136G>A on transcript NM_001308093.3 (MANE Select); coding-DNA position 1136, G replaced by A.
Protein change: p.Ser379Asn; replaces serine 379 with asparagine.
Molecular consequence: missense variant.
Genome position (GRCh38, 1-based): chr8:11,757,070, G>A. VCF-style: chr8-11757070-G-A. GRCh37 (hg19) VCF-style: chr8-11614579-G-A.
Other names: c.515G>A, p.Ser172Asn (NM_001308094.2, NM_001374273.1); c.389G>A, p.Ser130Asn (NM_001374274.1); c.1133G>A, p.Ser378Asn (NM_002052.5); short protein forms S379N, S172N, S378N, S130N.
Identifiers: ClinVar variation 2787990 (VCV002787990.3), dbSNP rs878854481, ClinGen allele CA370315487.
Genomic context (GRCh38, chr8:11,757,070, plus strand): 5'-GCGAGGAGATGCGTCCCATCAAGACGGAGCCTGGCCTGTCATCTCACTACGGGCACAGCA[G>A]CTCCGTGTCCCAGGTACGCGCCATGGCTGGGGCGCCAGGGCTGTTTGTGGGGAGGCCGAC-3'
Protein context (NP_001295022.1, residues 369-389): PGLSSHYGHS[Ser379Asn]SVSQTFSVSA